The following is an entry in ClinVar:

NM_001042492.3(NF1):c.5080G>T (p.Glu1694Ter)

Gene: NF1 (neurofibromin 1; plus strand). Cytogenetic location: 17q11.2.
Variant type: single nucleotide variant.
Coding change: c.5080G>T on transcript NM_001042492.3 (MANE Select); coding-DNA position 5080, G replaced by T.
Protein change: p.Glu1694Ter; replaces glutamic acid 1694 with a stop codon.
Molecular consequence: nonsense.
Genome position (GRCh38, 1-based): chr17:31,326,064, G>T. VCF-style: chr17-31326064-G-T. GRCh37 (hg19) VCF-style: chr17-29653082-G-T.
Other names: c.5017G>T, p.Glu1673Ter (NM_000267.4); short protein forms E1673*, E1694*.
Identifiers: ClinVar variation 2452251 (VCV002452251.5), dbSNP rs1567611496, ClinGen allele CA399007489.
Genomic context (GRCh38, chr17:31,326,064, plus strand): 5'-GTCTCCGCAGTCTATATCTATAACTGTAACTCCTGGGTCAGGGAGTACACCAAGTATCAT[G>T]AGCGGCTGCTGACTGGCCTCAAAGGTAGCAAAAGGCTTGTTTTCATAGACTGTCCTGGGA-3'

ClinVar aggregate classification (germline): Pathogenic. Review status: criteria provided, multiple submitters, no conflicts (2 of 4 stars). 3 submissions from 3 submitters: Pathogenic (3). Last evaluated 2024-11-15.

Conditions:
Neurofibromatosis, type 1 (NF1). Also called: VON RECKLINGHAUSEN DISEASE; NEUROFIBROMATOSIS, TYPE I, SOMATIC; Peripheral type neurofibromatosis; Neurofibromatosis, type I. Identifiers: Orphanet 636, MedGen C0027831, MONDO:0018975, OMIM 162200. Disease mechanism: loss of function.
Cardiovascular phenotype. Identifiers: MedGen CN230736.
Hereditary cancer-predisposing syndrome. Also called: Neoplastic Syndromes, Hereditary; Tumor predisposition; Hereditary Cancer Syndrome; Hereditary neoplastic syndrome. Identifiers: Orphanet 140162, MedGen C0027672, MeSH D009386, MONDO:0015356.

Submissions (3):

Labcorp Genetics (formerly Invitae), Labcorp
Classification: Pathogenic for Neurofibromatosis, type 1. Last evaluated: 2024-11-15. Review status: criteria provided, single submitter. Criteria: Invitae Variant Classification Sherloc (09022015). Collection method: clinical testing. Allele origin: germline.
Comment: This sequence change creates a premature translational stop signal (p.Glu1673*) in the NF1 gene. It is expected to result in an absent or disrupted protein product. Loss-of-function variants in NF1 are known to be pathogenic (PMID: 10712197, 23913538). This variant is not present in population databases (gnomAD no frequency). This variant has not been reported in the literature in individuals affected with NF1-related conditions. ClinVar contains an entry for this variant (Variation ID: 2452251). Algorithms developed to predict the effect of sequence changes on RNA splicing suggest that this variant may create or strengthen a splice site. For these reasons, this variant has been classified as Pathogenic.

Ambry Genetics
Classification: Pathogenic for Cardiovascular phenotype; Hereditary cancer-predisposing syndrome. Last evaluated: 2023-01-13. Review status: criteria provided, single submitter. Criteria: Ambry Variant Classification Scheme 2023. Collection method: clinical testing. Allele origin: germline.
Comment: The p.E1673* pathogenic mutation (also known as c.5017G>T), located in coding exon 36 of the NF1 gene, results from a G to T substitution at nucleotide position 5017. This changes the amino acid from a glutamic acid to a stop codon within coding exon 36. This alteration was identified in a cohort of French patients with a clinical diagnosis of neurofibromatosis type 1 (Pasmant E et al. Eur J Hum Genet, 2015 May;23:596-601). This variant is considered to be rare based on population cohorts in the Genome Aggregation Database (gnomAD). This alteration is expected to result in loss of function by premature protein truncation or nonsense-mediated mRNA decay. As such, this alteration is interpreted as a disease-causing mutation.

Clinical Genetics Service, Universitary Hospital 12 de Octubre
Classification: Pathogenic for Neurofibromatosis, type 1. Review status: criteria provided, single submitter. Criteria: ACMG Guidelines, 2015. Collection method: clinical testing. Allele origin: germline. Affected: yes.

Literature cited by the submitters: PubMed 10712197 (cited by Labcorp Genetics (formerly Invitae), Labcorp); PubMed 23913538 (cited by Labcorp Genetics (formerly Invitae), Labcorp).